The following is an entry in ClinVar:

NM_033031.3(CCNB3):c.401C>T (p.Pro134Leu)

Gene: CCNB3 (cyclin B3; plus strand). Cytogenetic location: Xp11.22.
Variant type: single nucleotide variant.
Coding change: c.401C>T on transcript NM_033031.3 (MANE Select); coding-DNA position 401, C replaced by T.
Protein change: p.Pro134Leu; replaces proline 134 with leucine.
Molecular consequence: missense variant. On other transcripts: intron variant (1).
Genome position (GRCh38, 1-based): chrX:50,308,570, C>T. VCF-style: chrX-50308570-C-T. GRCh37 (hg19) VCF-style: chrX-50051570-C-T.
Other names: c.204+19683C>T (NM_033670.4); short protein forms P134L.
Identifiers: ClinVar variation 4874735 (VCV004874735.2).

ClinVar aggregate classification (germline): Uncertain significance (1 of 4 stars; one submission).

Submission:

CeGaT Center for Human Genetics Tuebingen
Classification: Uncertain significance. Last evaluated: 2026-04-01. Review status: criteria provided, single submitter. Criteria: CeGaT Center For Human Genetics Tuebingen Variant Classification Criteria Version 2. Collection method: clinical testing. Allele origin: germline. Affected: yes. Observed: 1 variant allele.
Comment: CCNB3: PM2, BP4